The following is an entry in ClinVar:

ClinVar aggregate classification (germline): Uncertain significance (1 of 4 stars; one submission).

Submission:

GeneDx
Classification: Uncertain significance. Last evaluated: 2017-09-08. Review status: criteria provided, single submitter. Criteria: GeneDx Variant Classification (06012015). Collection method: clinical testing. Allele origin: germline. Affected: yes.
Comment: The c.523dupC variant in the ACTA2 gene has not been reported previously as a pathogenic variant nor as a benign variant, to our knowledge. The c.523dupC variant causes a frameshift starting with codon Histidine 175, changes this amino acid to a Proline residue, and creates a premature Stop codon at position 15 of the new reading frame, denoted p.His175ProfsX15. This variant is predicted to cause loss of normal protein function either through protein truncation or nonsense-mediated mRNA decay, however loss-of-function is not a known mechanism of disease for the ACTA2 gene. The c.523dupC variant is not observed in large population cohorts (Lek et al., 2016; 1000 Genomes Consortium et al., 2015; Exome Variant Server). We interpret c.523dupC as a variant of uncertain significance.

NM_001613.4(ACTA2):c.523dup (p.His175fs)

Gene: ACTA2 (actin alpha 2, smooth muscle; minus strand). Cytogenetic location: 10q23.31.
Variant type: Duplication.
Coding change: c.523dup on transcript NM_001613.4 (MANE Select); coding-DNA position 523, one base duplicated (C; older notation c.523dupC).
Protein change: p.His175fs; shifts the reading frame from histidine 175.
Molecular consequence: frameshift variant.
Genome position (GRCh38, 1-based): chr10:88,941,322, G duplicated on the plus strand (C on the coding strand, the reverse complement: ACTA2 is on the minus strand); the first of 4 consecutive G bases (chr10:88,941,322-88,941,325); duplicating any one gives the same sequence. VCF-style (leftmost placement, unchanged base first): chr10-88941321-T-TG. GRCh37 (hg19) VCF-style: chr10-90701078-T-TG.
Other names: c.523dupC (NM_001613.2); c.391dup, p.His132Profs (NM_001406467.1, NM_001406468.1, NM_001406469.1); c.520dup, p.His175Profs (NM_001406471.1, NM_001141945.3, NM_001320855.2 and 3 more transcripts); c.409dup, p.His138Profs (NM_001406466.1); short protein forms H175fs.
Identifiers: ClinVar variation 448983 (VCV000448983.4), dbSNP rs1554841292, ClinGen allele CA658658003.
Genomic context (GRCh38, chr10:88,941,321, plus strand): 5'-AGGATCTTCATGAGGTAGTCAGTGAGATCTCGGCCAGCCAGATCCAGACGCATGATGGCA[T>TG]GGGGCAAGGCATAGCCCTCATAGATGGGGACATTGTGGGTGACACCATCTCCAGAGTCCA-3'